The following is an entry in ClinVar:

NM_002862.4(PYGB):c.2358A>C (p.Ala786=)

Genes: ABHD12 (abhydrolase domain containing 12, lysophospholipase; minus strand), PYGB (glycogen phosphorylase B; plus strand). Cytogenetic location: 20p11.21.
Variant type: single nucleotide variant.
Coding change: c.2358A>C on transcript NM_002862.4 (MANE Select); coding-DNA position 2358, A replaced by C.
Protein change: p.Ala786=; no amino-acid change (alanine 786 retained).
Molecular consequence: synonymous variant. On other transcripts: intron variant (1).
Genome position (GRCh38, 1-based): chr20:25,295,649, A>C. VCF-style: chr20-25295649-A-C. GRCh37 (hg19) VCF-style: chr20-25276285-A-C.
Other names: c.1158-619T>G (NM_015600.5).
Identifiers: ClinVar variation 5039546 (VCV005039546.1).

ClinVar aggregate classification (germline): Likely benign (1 of 4 stars; one submission).

gnomAD v4.1: 1 of 1,614,092 alleles (0.000062%); highest among the groups gnomAD compares: Admixed American, 0.0017%; no homozygotes.

Submission:

CeGaT Center for Human Genetics Tuebingen
Classification: Likely benign. Last evaluated: 2026-08-01. Review status: criteria provided, single submitter. Criteria: CeGaT Center For Human Genetics Tuebingen Variant Classification Criteria Version 2. Collection method: clinical testing. Allele origin: germline. Affected: yes. Observed: 1 variant allele.
Comment: PYGB: BP4, BP7